The following is an entry in ClinVar:

NM_005476.7(GNE):c.994C>A (p.Leu332Ile)

Gene: GNE (glucosamine (UDP-N-acetyl)-2-epimerase/N-acetylmannosamine kinase; minus strand). Cytogenetic location: 9p13.3.
Variant type: single nucleotide variant.
Coding change: c.994C>A on transcript NM_005476.7 (MANE Select); coding-DNA position 994, C replaced by A.
Protein change: p.Leu332Ile; replaces leucine 332 with isoleucine.
Molecular consequence: missense variant.
Genome position (GRCh38, 1-based): chr9:36,229,097, G>T on the plus strand (C>A on the coding strand, the complement: GNE is on the minus strand). VCF-style: chr9-36229097-G-T. GRCh37 (hg19) VCF-style: chr9-36229094-G-T.
Other names: c.1087C>A, p.Leu363Ile (NM_001128227.3); c.994C>A, p.Leu332Ile (NM_001190383.3); c.664C>A, p.Leu222Ile (NM_001190384.3); c.817C>A, p.Leu273Ile (NM_001190388.2, NM_001374798.1); c.841C>A, p.Leu281Ile (NM_001374797.1); short protein forms L281I, L332I, L222I, L273I, L363I.
Identifiers: ClinVar variation 1485031 (VCV001485031.6), dbSNP rs2133049738, ClinGen allele CA373430127.
Genomic context (GRCh38, chr9:36,229,097, plus strand): 5'-CAAACTGAAGGTGCAGTGCTTGCAATATTTTGTCTTGGGTGTCAGCATCCCGGACATGAA[G>T]AACATTCTCCCCTAGGTAAAACCAGTGACACATTACAAGGATTTGGAAGTGGGAATATCC-3'
Protein context (NP_005467.1, residues 322-342): QIGRETGENV[Leu332Ile]HVRDADTQDK

ClinVar aggregate classification (germline): Uncertain significance (1 of 4 stars; one submission).

Conditions:
Sialuria. Also called: Sialic Acid Storage Disease; SIALURIA, FRENCH TYPE. Identifiers: Orphanet 3166, MedGen C0342853, MONDO:0010028, OMIM 269921.
GNE myopathy (NM). Also called: INCLUSION BODY MYOPATHY, HEREDITARY, AUTOSOMAL RECESSIVE; NONAKA DISTAL MYOPATHY; MYOPATHY, DISTAL, WITH OR WITHOUT RIMMED VACUOLES; INCLUSION BODY MYOPATHY 2, AUTOSOMAL RECESSIVE; IBM 2; Inclusion body myopathy autosomal recessive. Identifiers: Orphanet 602, MedGen C1853926, MONDO:0011603, OMIM 605820.

Submission:

Labcorp Genetics (formerly Invitae), Labcorp
Classification: Uncertain significance for Sialuria; GNE myopathy. Last evaluated: 2025-02-10. Review status: criteria provided, single submitter. Criteria: Invitae Variant Classification Sherloc (09022015). Collection method: clinical testing. Allele origin: germline.
Comment: This sequence change replaces leucine, which is neutral and non-polar, with isoleucine, which is neutral and non-polar, at codon 363 of the GNE protein (p.Leu363Ile). This variant is not present in population databases (gnomAD no frequency). This variant has not been reported in the literature in individuals affected with GNE-related conditions. ClinVar contains an entry for this variant (Variation ID: 1485031). Invitae Evidence Modeling of protein sequence and biophysical properties (such as structural, functional, and spatial information, amino acid conservation, physicochemical variation, residue mobility, and thermodynamic stability) has been performed for this missense variant. However, the output from this modeling did not meet the statistical confidence thresholds required to predict the impact of this variant on GNE protein function. In summary, the available evidence is currently insufficient to determine the role of this variant in disease. Therefore, it has been classified as a Variant of Uncertain Significance.